The following is an entry in ClinVar:

ClinVar aggregate classification (germline): Uncertain significance (0 of 4 stars; one submission).

Conditions:
TEP1-related condition.

Submission:

PreventionGenetics, part of Exact Sciences
Classification: Uncertain significance for TEP1-related condition. Last evaluated: 2024-08-30. Review status: no assertion criteria provided. Collection method: clinical testing. Allele origin: germline.
Comment: The TEP1 c.1565_1569del5 variant is predicted to result in a frameshift and premature protein termination (p.Pro522Hisfs*21). To our knowledge, this variant has not been reported in the literature. This variant is reported in 0.0029% of alleles in individuals of Latino descent in gnomAD. At this time, the clinical significance of this variant is uncertain due to the absence of conclusive functional and genetic evidence.

NM_007110.5(TEP1):c.1565_1569del (p.Pro522fs)

Gene: TEP1 (telomerase associated protein 1; minus strand). Cytogenetic location: 14q11.2.
Variant type: Deletion.
Coding change: c.1565_1569del on transcript NM_007110.5 (MANE Select); coding-DNA positions 1565 to 1569, 5 bases deleted (CCTTC; older notation c.1565_1569delCCTTC).
Protein change: p.Pro522fs; shifts the reading frame from proline 522.
Molecular consequence: frameshift variant.
Genome position (GRCh38, 1-based): chr14:20,396,711-20,396,715, GAAGG deleted on the plus strand (CCTTC on the coding strand, the reverse complement: TEP1 is on the minus strand); deleting any 5 consecutive bases within chr14:20,396,711-20,396,719 gives the same sequence; the c. name uses the placement nearest the transcript's 3' end. VCF-style (leftmost placement, unchanged base first): chr14-20396710-TGAAGG-T. GRCh37 (hg19) VCF-style: chr14-20864869-TGAAGG-T.
Other names: c.1241_1245del, p.Pro414fs (NM_001319035.2); short protein forms P414fs, P522fs.
Identifiers: ClinVar variation 3353506 (VCV003353506.1).